The following is an entry in ClinVar:

ClinVar aggregate classification (germline): Uncertain significance (1 of 4 stars; one submission).

Conditions:
Ullrich congenital muscular dystrophy 2 (UCMD2). Identifiers: Orphanet 75840, MedGen C4225314, MONDO:0014654, OMIM 616470.
Bethlem myopathy 2 (BTHLM2). Identifiers: Orphanet 536516, Orphanet 610, MedGen C4225313, MONDO:0034022, OMIM 616471.

Allele frequency attached by ClinVar (database versions not stated): gnomAD exomes below 0.00001; TOPMed below 0.00001; gnomAD 0.00001.
gnomAD v4.1: 3 of 1,613,924 alleles (0.00019%); highest among the groups gnomAD compares: Non-Finnish European, 0.00025%; no homozygotes.

Submission:

Labcorp Genetics (formerly Invitae), Labcorp
Classification: Uncertain significance for Bethlem myopathy 2; Ullrich congenital muscular dystrophy 2. Last evaluated: 2023-08-24. Review status: criteria provided, single submitter. Criteria: Invitae Variant Classification Sherloc (09022015). Collection method: clinical testing. Allele origin: germline.
Comment: ClinVar contains an entry for this variant (Variation ID: 998640). In summary, the available evidence is currently insufficient to determine the role of this variant in disease. Therefore, it has been classified as a Variant of Uncertain Significance. Advanced modeling of protein sequence and biophysical properties (such as structural, functional, and spatial information, amino acid conservation, physicochemical variation, residue mobility, and thermodynamic stability) performed at Invitae indicates that this missense variant is not expected to disrupt COL12A1 protein function. This variant has not been reported in the literature in individuals affected with COL12A1-related conditions. This variant is not present in population databases (gnomAD no frequency). This sequence change replaces tyrosine, which is neutral and polar, with histidine, which is basic and polar, at codon 924 of the COL12A1 protein (p.Tyr924His).

NM_004370.6(COL12A1):c.2770T>C (p.Tyr924His)

Gene: COL12A1 (collagen type XII alpha 1 chain; minus strand). Cytogenetic location: 6q13.
Variant type: single nucleotide variant.
Coding change: c.2770T>C on transcript NM_004370.6 (MANE Select); coding-DNA position 2770, T replaced by C.
Protein change: p.Tyr924His; replaces tyrosine 924 with histidine.
Molecular consequence: missense variant. On other transcripts: intron variant (1).
Genome position (GRCh38, 1-based): chr6:75,165,720, A>G on the plus strand (T>C on the coding strand, the complement: COL12A1 is on the minus strand). VCF-style: chr6-75165720-A-G. GRCh37 (hg19) VCF-style: chr6-75875436-A-G.
Other names: c.74-13238T>C (NM_080645.3); short protein forms Y924H.
Identifiers: ClinVar variation 998640 (VCV000998640.9), dbSNP rs1768261055, ClinGen allele CA364758609.
Genomic context (GRCh38, chr6:75,165,720, plus strand): 5'-CATAAAGTGATTTCCATGAGACCCTGTAACCGCGAACCATTCCTGGAGCAGATGTCCAAT[A>G]AGCCCCAATTGATGTGTCAGTGATGTCTTTAGTAACTAAATCTTGAGGAGAACCACGTTC-3'
Protein context (NP_004361.3, residues 914-934): KDITDTSIGA[Tyr924His]WTSAPGMVRG